The following is an entry in ClinVar:

ClinVar aggregate classification (germline): Likely benign. Review status: criteria provided, single submitter (1 of 4 stars). 2 submissions from 2 submitters: Likely benign (1). 1 of the submissions does not count toward it. Last evaluated 2025-05-11.

Conditions:
Early-infantile DEE. Also called: Early infantile epileptic encephalopathy with suppression bursts; Early infantile epileptic encephalopathy; Ohtahara syndrome. Identifiers: Orphanet 1934, MedGen C0393706, MONDO:0800491.
ARHGEF15-related disorder. Also called: ARHGEF15-related condition.

Allele frequency attached by ClinVar (database versions not stated): gnomAD 0.00001; TOPMed 0.00002; ExAC 0.00003; 1000 Genomes Project 0.00020; 1000 Genomes Project 30x 0.00031.
gnomAD v4.1: 55 of 1,612,472 alleles (0.0034%); highest among the groups gnomAD compares: Non-Finnish European, 0.0042%; no homozygotes.

Submissions (2):

Labcorp Genetics (formerly Invitae), Labcorp
Classification: Likely benign for Early-infantile DEE. Last evaluated: 2025-05-11. Review status: criteria provided, single submitter. Criteria: Invitae Variant Classification Sherloc (09022015). Collection method: clinical testing. Allele origin: germline.

PreventionGenetics, part of Exact Sciences
Classification: Likely benign for ARHGEF15-related condition. Last evaluated: 2019-05-07. Review status: no assertion criteria provided. Collection method: clinical testing. Allele origin: germline. Not counted in ClinVar's aggregate classification.
Comment: This variant is classified as likely benign based on ACMG/AMP sequence variant interpretation guidelines (Richards et al. 2015 PMID: 25741868, with internal and published modifications).

NM_173728.4(ARHGEF15):c.576T>C (p.Ser192=)

Gene: ARHGEF15 (Rho guanine nucleotide exchange factor 15; plus strand). Cytogenetic location: 17p13.1.
Variant type: single nucleotide variant.
Coding change: c.576T>C on transcript NM_173728.4 (MANE Select); coding-DNA position 576, T replaced by C.
Protein change: p.Ser192=; no amino-acid change (serine 192 retained).
Molecular consequence: synonymous variant.
Genome position (GRCh38, 1-based): chr17:8,312,615, T>C. VCF-style: chr17-8312615-T-C. GRCh37 (hg19) VCF-style: chr17-8215933-T-C.
Other names: c.576T>C, p.Ser192= (NM_025014.2).
Identifiers: ClinVar variation 2181108 (VCV002181108.6), dbSNP rs559241646, ClinGen allele CA8374888.